The following is an entry in ClinVar:

NM_001163435.3(TBCK):c.458A>G (p.Tyr153Cys)

Gene: TBCK (TBC1 domain containing kinase; minus strand). Cytogenetic location: 4q24.
Variant type: single nucleotide variant.
Coding change: c.458A>G on transcript NM_001163435.3 (MANE Select); coding-DNA position 458, A replaced by G.
Protein change: p.Tyr153Cys; replaces tyrosine 153 with cysteine.
Molecular consequence: missense variant. On other transcripts: 5 prime UTR variant (1).
Genome position (GRCh38, 1-based): chr4:106,252,005, T>C on the plus strand (A>G on the coding strand, the complement: TBCK is on the minus strand). VCF-style: chr4-106252005-T-C. GRCh37 (hg19) VCF-style: chr4-107173162-T-C.
Other names: c.458A>G, p.Tyr153Cys (NM_001163436.4, NM_001163437.3); c.-59A>G (NM_001290768.2); c.269A>G, p.Tyr90Cys (NM_033115.5); short protein forms Y153C, Y90C.
Identifiers: ClinVar variation 1517156 (VCV001517156.4), dbSNP rs1178392843, ClinGen allele CA357825670.

ClinVar aggregate classification (germline): Uncertain significance (1 of 4 stars; one submission).

Allele frequency attached by ClinVar (database versions not stated): gnomAD exomes below 0.00001 and 0.00001.
gnomAD v4.1: 3 of 1,599,326 alleles (0.00019%); highest among the groups gnomAD compares: Admixed American, 0.0052%; no homozygotes.

Submission:

Labcorp Genetics (formerly Invitae), Labcorp
Classification: Uncertain significance. Last evaluated: 2025-10-01. Review status: criteria provided, single submitter. Criteria: Invitae Variant Classification Sherloc (09022015). Collection method: clinical testing. Allele origin: germline.
Comment: This sequence change replaces tyrosine, which is neutral and polar, with cysteine, which is neutral and slightly polar, at codon 153 of the TBCK protein (p.Tyr153Cys). This variant is present in population databases (no rsID available, gnomAD 0.003%). This variant has not been reported in the literature in individuals affected with TBCK-related conditions. ClinVar contains an entry for this variant (Variation ID: 1517156). An algorithm developed to predict the effect of missense changes on protein structure and function (PolyPhen-2) suggests that this variant is likely to be tolerated. In summary, the available evidence is currently insufficient to determine the role of this variant in disease. Therefore, it has been classified as a Variant of Uncertain Significance.